The following is an entry in ClinVar:

Conditions:
Breast-ovarian cancer, familial, susceptibility to, 1 (BROVCA1). Also called: BRCA1 Hereditary Breast and Ovarian Cancer; OVARIAN CANCER, SUSCEPTIBILITY TO. Identifiers: Orphanet 145, MedGen C2676676, MONDO:0011450, OMIM 604370. Disease mechanism: loss of function.

Submission:

Brotman Baty Institute, University of Washington
No classification provided (evidence only). Condition: Breast-ovarian cancer, familial 1. Review status: no classification provided. Collection method: in vitro. Allele origin: not applicable. Functional consequence: function_uncertain_variant.
ClinVar note: "not provided" was previously submitted as the classification for the variant. However, the classification appeared to be based only on an observation of functional data so it was converted to no classification on 2025-07-30.

NM_007294.4(BRCA1):c.269T>A (p.Ile90Asn)

Gene: BRCA1 (BRCA1 DNA repair associated; minus strand). Cytogenetic location: 17q21.31.
Variant type: single nucleotide variant.
Coding change: c.269T>A on transcript NM_007294.4 (MANE Select); coding-DNA position 269, T replaced by A.
Protein change: p.Ile90Asn; replaces isoleucine 90 with asparagine.
Molecular consequence: missense variant. On other transcripts: non-coding transcript variant (1).
Genome position (GRCh38, 1-based): chr17:43,104,900, A>T on the plus strand (T>A on the coding strand, the complement: BRCA1 is on the minus strand). VCF-style: chr17-43104900-A-T. GRCh37 (hg19) VCF-style: chr17-41256917-A-T.
Other names: c.269T>A, p.Ile90Asn (NM_001407581.1, NM_001407582.1, NM_001407583.1 and 168 more transcripts); c.191T>A, p.Ile64Asn (NM_001407653.1, NM_001407654.1, NM_001407655.1 and 21 more transcripts); c.128T>A, p.Ile43Asn (NM_001407692.1, NM_001407694.1, NM_001407695.1 and 99 more transcripts); c.59T>A, p.Ile20Asn (NM_001407853.1, NM_001407879.1, NM_001407881.1 and 58 more transcripts); c.-113T>A (NM_001407959.1, NM_001407960.1, NM_001407962.1 and 4 more transcripts); c.137T>A, p.Ile46Asn (NM_001408451.1); short protein forms I90N, I43N, I64N, I46N, I20N.
Identifiers: ClinVar variation 865353 (VCV000865353.3), dbSNP rs80357174, ClinGen allele CA10601617.